The following is an entry in ClinVar:

ClinVar aggregate classification (germline): Uncertain significance. Review status: criteria provided, single submitter (1 of 4 stars). 2 submissions from 2 submitters: Uncertain significance (1). 1 of the submissions does not count toward it. Last evaluated 2024-02-27.

Conditions:
Duane retraction syndrome. Also called: Duane anomaly; Duane Syndrome; Duane's syndrome; RETRACTION SYNDROME. Identifiers: Orphanet 233, MedGen C0013261, MONDO:0007473, HP:0009921.
GNAS-related disorder. Identifiers: MedGen CN380105.

gnomAD v4.1: 2 of 1,612,304 alleles (0.00012%); highest among the groups gnomAD compares: African/African-American, 0.0013%; no homozygotes.

Submissions (2):

Broad Center for Mendelian Genomics, Broad Institute of MIT and Harvard
Classification: Uncertain significance for Duane retraction syndrome. Last evaluated: 2024-02-27. Review status: criteria provided, single submitter. Criteria: ACMG Guidelines, 2015. Collection method: curation. Allele origin: germline. Inheritance: Autosomal dominant inheritance.
Comment: While this gene has a strong gene-disease association with pseudohypoparathyroidism and McCune-Albright syndrome, it is lacking sufficient evidence to establish a gene-disease relationship for DRS. We believe this is a possible novel gene candidate for DRS. Given the limited information about this gene-disease relationship, the significance of the p.Asp573His variant is uncertain. If you have any additional information about functional evidence or other individuals with this phenotype that also have variants in GNAS we encourage you to reach out to the Engle Lab.

PreventionGenetics, part of Exact Sciences
Classification: Uncertain significance for GNAS-related condition. Last evaluated: 2024-07-10. Review status: no assertion criteria provided. Collection method: clinical testing. Allele origin: germline. Not counted in ClinVar's aggregate classification.
Comment: The GNAS c.1717G>C variant is predicted to result in the amino acid substitution p.Asp573His. To our knowledge, this variant has not been reported in the literature or in a large population database, indicating this variant is rare. At this time, the clinical significance of this variant is uncertain due to the absence of conclusive functional and genetic evidence.

NM_080425.4(GNAS):c.1717G>C (p.Asp573His)

Gene: GNAS (GNAS complex locus; plus strand). Cytogenetic location: 20q13.32.
Variant type: single nucleotide variant.
Coding change: c.1717G>C on transcript NM_080425.4 (MANE Plus Clinical); coding-DNA position 1717, G replaced by C.
Protein change: p.Asp573His; replaces aspartic acid 573 with histidine.
Molecular consequence: missense variant. On other transcripts: synonymous variant (2), intron variant (3).
Genome position (GRCh38, 1-based): chr20:58,854,982, G>C. VCF-style: chr20-58854982-G-C. GRCh37 (hg19) VCF-style: chr20-57430037-G-C.
Other names: NM_080425.4:c.1717G>C; c.1530G>C, p.Ala510= (NM_001077490.3, NM_001309883.1); c.1717G>C, p.Asp573His (NM_001410913.1); c.*42+14096G>C (NM_016592.5); c.43+14096G>C (NM_001410912.1); c.-39+13107G>C (NM_001309861.2); short protein forms D573H.
Identifiers: ClinVar variation 3024407 (VCV003024407.2), dbSNP rs2086397760, ClinGen allele CA409462604.